The following is an entry in ClinVar:

NM_052989.3(IFT122):c.2087T>G (p.Leu696Arg)

Genes: IFT122 (intraflagellar transport 122; plus strand), LOC126806810 (CDK7 strongly-dependent group 2 enhancer GRCh37_chr3:129213542-129214741; plus strand). Cytogenetic location: 3q21.3.
Variant type: single nucleotide variant.
Coding change: c.2087T>G on transcript NM_052989.3 (MANE Select); coding-DNA position 2087, T replaced by G.
Protein change: p.Leu696Arg; replaces leucine 696 with arginine.
Molecular consequence: missense variant.
Genome position (GRCh38, 1-based): chr3:129,495,486, T>G. VCF-style: chr3-129495486-T-G. GRCh37 (hg19) VCF-style: chr3-129214329-T-G.
Other names: c.2063T>G, p.Leu688Arg (NM_001280541.2); c.2240T>G, p.Leu747Arg (NM_052985.4); c.1754T>G, p.Leu585Arg (NM_052990.3, NM_001410815.1); c.1637T>G, p.Leu546Arg (NM_001280545.2); c.1460T>G, p.Leu487Arg (NM_001280546.2); c.2087T>G, p.Leu696Arg (NM_001410808.1); c.2033T>G, p.Leu678Arg (NM_001410809.1); c.1910T>G, p.Leu637Arg (NM_001410810.1, NM_018262.4); and 2 more; short protein forms L546R, L688R, L487R, L585R, L619R, L637R, L696R, L678R.
Identifiers: ClinVar variation 2050766 (VCV002050766.4), dbSNP rs1348275568, ClinGen allele CA354480465.

ClinVar aggregate classification (germline): Uncertain significance (1 of 4 stars; one submission).

Conditions:
Cranioectodermal dysplasia 1 (CED1). Also called: LEVIN SYNDROME I. Identifiers: Orphanet 1515, MedGen C0432235, MONDO:0021093, OMIM 218330.

Allele frequency attached by ClinVar (database versions not stated): TOPMed below 0.00001.

Submission:

Labcorp Genetics (formerly Invitae), Labcorp
Classification: Uncertain significance for Cranioectodermal dysplasia 1. Last evaluated: 2022-11-15. Review status: criteria provided, single submitter. Criteria: Invitae Variant Classification Sherloc (09022015). Collection method: clinical testing. Allele origin: germline.
Comment: Advanced modeling of protein sequence and biophysical properties (such as structural, functional, and spatial information, amino acid conservation, physicochemical variation, residue mobility, and thermodynamic stability) performed at Invitae indicates that this missense variant is not expected to disrupt IFT122 protein function. In summary, the available evidence is currently insufficient to determine the role of this variant in disease. Therefore, it has been classified as a Variant of Uncertain Significance. This variant has not been reported in the literature in individuals affected with IFT122-related conditions. This variant is not present in population databases (gnomAD no frequency). This sequence change replaces leucine, which is neutral and non-polar, with arginine, which is basic and polar, at codon 747 of the IFT122 protein (p.Leu747Arg).